The following is an entry in ClinVar:

ClinVar aggregate classification (germline): Uncertain significance (1 of 4 stars; one submission).

gnomAD v4.1: 1 of 1,559,128 alleles (0.000064%); highest among the groups gnomAD compares: Non-Finnish European, 0.000087%; no homozygotes.

Submission:

GeneDx
Classification: Uncertain significance. Last evaluated: 2023-10-27. Review status: criteria provided, single submitter. Criteria: GeneDx Variant Classification Process June 2021. Collection method: clinical testing. Allele origin: germline. Affected: yes.
Comment: Not observed at significant frequency in large population cohorts (gnomAD); In silico analysis supports that this missense variant does not alter protein structure/function; Has not been previously published as pathogenic or benign to our knowledge

NM_003560.4(PLA2G6):c.983A>G (p.Asn328Ser)

Gene: PLA2G6 (phospholipase A2 group VI; minus strand). Cytogenetic location: 22q13.1.
Variant type: single nucleotide variant.
Coding change: c.983A>G on transcript NM_003560.4 (MANE Select); coding-DNA position 983, A replaced by G.
Protein change: p.Asn328Ser; replaces asparagine 328 with serine.
Molecular consequence: missense variant.
Genome position (GRCh38, 1-based): chr22:38,132,925, T>C on the plus strand (A>G on the coding strand, the complement: PLA2G6 is on the minus strand). VCF-style: chr22-38132925-T-C. GRCh37 (hg19) VCF-style: chr22-38528932-T-C.
Other names: c.983A>G, p.Asn328Ser (NM_001004426.3, NM_001199562.3, NM_001349864.2 and 2 more transcripts); c.449A>G, p.Asn150Ser (NM_001349867.2, NM_001349869.2); c.305A>G, p.Asn102Ser (NM_001349868.2); short protein forms N102S, N150S, N328S.
Identifiers: ClinVar variation 3363621 (VCV003363621.1).
Genomic context (GRCh38, chr22:38,132,925, plus strand): 5'-TCTCCGCGGGCATCCGCGTTGGCCCCGTGGGTCAGCAGCACTATGGCACAGTCGAAGCGG[T>C]TGCGCATCACCGCCACGTGCAGGGCCGTGTTCCCCGCGGAGCTGGTGCTGTTCACGTTGC-3'
Protein context (NP_003551.2, residues 318-338): NTALHVAVMR[Asn328Ser]RFDCAIVLLT